The following is an entry in ClinVar:

ClinVar aggregate classification (germline): Conflicting classifications of pathogenicity. Review status: criteria provided, conflicting classifications (1 of 4 stars). 3 submissions from 3 submitters: Uncertain significance (2); Likely benign (1). Last evaluated 2025-02-10.

Allele frequency attached by ClinVar (database versions not stated): TOPMed 0.00002; gnomAD exomes 0.00004 and 0.00017; gnomAD 0.00005 and 0.00006; ExAC 0.00006.

Submissions (3):

Labcorp Genetics (formerly Invitae), Labcorp
Classification: Likely benign. Last evaluated: 2025-02-10. Review status: criteria provided, single submitter. Criteria: Invitae Variant Classification Sherloc (09022015). Collection method: clinical testing. Allele origin: germline.

CeGaT Center for Human Genetics Tuebingen
Classification: Uncertain significance. Last evaluated: 2019-09-01. Review status: criteria provided, single submitter. Criteria: CeGaT Center For Human Genetics Tuebingen Variant Classification Criteria Version 2. Collection method: clinical testing. Allele origin: germline. Affected: yes. Observed: 2 variant alleles.

GeneDx
Classification: Uncertain significance. Last evaluated: 2012-11-15. Review status: criteria provided, single submitter. Criteria: GeneDx Variant Classification (06012015). Collection method: clinical testing. Allele origin: germline. Affected: yes.
Comment: p.Ser83Ser (TCG>TCA): c.249 G>A in exon 3 of the NDUFV1 gene (NM_007103.3). A variant of unknown significance has been identified in the NDUFV1 gene. The c.249 G>A sequence change has not been published as a mutation, nor has it been reported as a benign polymorphism to our knowledge. Multiple in-silico analysis programs predict that c.249 G>A creates a new splice donor site, that if used, would be predicted to lead to abnormal gene splicing. However, the true effect of c.249 G>A on splicing in vivo is not known. Therefore, based on the currently available information, it is unclear whether c.249 G>A is a disease-causing mutation or a rare benign variant. The variant is found in MITONUC-MITOP panel(s).

NM_007103.4(NDUFV1):c.249G>A (p.Ser83=)

Gene: NDUFV1 (NADH:ubiquinone oxidoreductase core subunit V1; plus strand). Cytogenetic location: 11q13.2.
Variant type: single nucleotide variant.
Coding change: c.249G>A on transcript NM_007103.4 (MANE Select); coding-DNA position 249, G replaced by A.
Protein change: p.Ser83=; no amino-acid change (serine 83 retained).
Molecular consequence: synonymous variant.
Genome position (GRCh38, 1-based): chr11:67,608,645, G>A. VCF-style: chr11-67608645-G-A. GRCh37 (hg19) VCF-style: chr11-67376116-G-A.
Other names: p.S83S:TCG>TCA; c.222G>A, p.Ser74= (NM_001166102.2).
Identifiers: ClinVar variation 214849 (VCV000214849.52), dbSNP rs773832212, ClinGen allele CA321372.